The following is an entry in ClinVar:

ClinVar aggregate classification (germline): Uncertain significance (1 of 4 stars; one submission).

Submission:

GeneDx
Classification: Uncertain significance. Last evaluated: 2022-10-27. Review status: criteria provided, single submitter. Criteria: GeneDx Variant Classification Process June 2021. Collection method: clinical testing. Allele origin: germline. Affected: yes.
Comment: Frameshift variant predicted to result in protein truncation as the last 1091 amino acids are replaced with 65 different amino acids, although loss-of-function variants have not been reported downstream of this position in the protein; Not observed at significant frequency in large population cohorts (gnomAD); Has not been previously published as pathogenic or benign to our knowledge

NM_001379150.1(IRS4):c.499dup (p.Leu167fs)

Gene: IRS4 (insulin receptor substrate 4; minus strand). Cytogenetic location: Xq22.3.
Variant type: Duplication.
Coding change: c.499dup on transcript NM_001379150.1 (MANE Select); coding-DNA position 499, one base duplicated (C; older notation c.499dupC).
Protein change: p.Leu167fs; shifts the reading frame from leucine 167.
Molecular consequence: frameshift variant.
Genome position (GRCh38, 1-based): chrX:108,735,846, G duplicated on the plus strand (C on the coding strand, the reverse complement: IRS4 is on the minus strand); the first of 2 consecutive G bases (chrX:108,735,846-108,735,847); duplicating either gives the same sequence. VCF-style (leftmost placement, unchanged base first): chrX-108735845-A-AG. GRCh37 (hg19) VCF-style: chrX-107979075-A-AG.
Other names: c.499dup, p.Leu167fs (NM_003604.2); short protein forms L167fs.
Identifiers: ClinVar variation 2500573 (VCV002500573.1), dbSNP rs2524688166, ClinGen allele CA2580100292.